The following is an entry in ClinVar:

NM_015295.3(SMCHD1):c.4909A>G (p.Ile1637Val)

Gene: SMCHD1 (structural maintenance of chromosomes flexible hinge domain containing 1; plus strand). Cytogenetic location: 18p11.32.
Variant type: single nucleotide variant.
Coding change: c.4909A>G on transcript NM_015295.3 (MANE Select); coding-DNA position 4909, A replaced by G.
Protein change: p.Ile1637Val; replaces isoleucine 1637 with valine.
Molecular consequence: missense variant.
Genome position (GRCh38, 1-based): chr18:2,770,051, A>G. VCF-style: chr18-2770051-A-G. GRCh37 (hg19) VCF-style: chr18-2770049-A-G.
Other names: c.4909A>G (NM_015295.2); short protein forms I1637V.
Identifiers: ClinVar variation 2058653 (VCV002058653.5), dbSNP rs376874377, ClinGen allele CA8871603.
Genomic context (GRCh38, chr18:2,770,051, plus strand): 5'-GTTAAGAAGCAGCAACAAATGGCAGCACTTACAAAAGAAAAGGACCAATTATCTCAGTCT[A>G]TTGTTATGTATAAAAGTTTATTTGAAGCCAGCCAACAGCTTCTTAATGAAATGAAATGTA-3'
Protein context (NP_056110.2, residues 1627-1647): TKEKDQLSQS[Ile1637Val]VMYKSLFEAS

ClinVar aggregate classification (germline): Uncertain significance. Review status: criteria provided, multiple submitters, no conflicts (2 of 4 stars). 2 submissions from 2 submitters: Uncertain significance (2). Last evaluated 2025-05-07.

Conditions:
Inborn genetic diseases. Identifiers: MedGen C0950123, MeSH D030342.
Facioscapulohumeral muscular dystrophy 2 (FSHD2). Also called: FACIOSCAPULOHUMERAL MUSCULAR DYSTROPHY 2, DIGENIC; FSHD2, DIGENIC; MUSCULAR DYSTROPHY, FACIOSCAPULOHUMERAL, TYPE 1B. Identifiers: Orphanet 269, MedGen C1834671, MONDO:0008031, OMIM 158901.

Allele frequency attached by ClinVar (database versions not stated): ExAC 0.00003; gnomAD 0.00003; ESP Exome Variant Server 0.00008; TOPMed 0.00008.
gnomAD v4.1: 21 of 1,605,056 alleles (0.0013%); highest among the groups gnomAD compares: East Asian, 0.0022%; no homozygotes.

Submissions (2):

Ambry Genetics
Classification: Uncertain significance for Inborn genetic diseases. Last evaluated: 2025-05-07. Review status: criteria provided, single submitter. Criteria: Ambry Variant Classification Scheme 2023. Collection method: clinical testing. Allele origin: germline.

Labcorp Genetics (formerly Invitae), Labcorp
Classification: Uncertain significance for Facioscapulohumeral muscular dystrophy 2. Last evaluated: 2025-04-08. Review status: criteria provided, single submitter. Criteria: Invitae Variant Classification Sherloc (09022015). Collection method: clinical testing. Allele origin: germline.
Comment: This sequence change replaces isoleucine, which is neutral and non-polar, with valine, which is neutral and non-polar, at codon 1637 of the SMCHD1 protein (p.Ile1637Val). This variant is present in population databases (rs376874377, gnomAD 0.007%). This variant has not been reported in the literature in individuals affected with SMCHD1-related conditions. ClinVar contains an entry for this variant (Variation ID: 2058653). Invitae Evidence Modeling of protein sequence and biophysical properties (such as structural, functional, and spatial information, amino acid conservation, physicochemical variation, residue mobility, and thermodynamic stability) indicates that this missense variant is not expected to disrupt SMCHD1 protein function with a negative predictive value of 80%. In summary, the available evidence is currently insufficient to determine the role of this variant in disease. Therefore, it has been classified as a Variant of Uncertain Significance.